The following is an entry in ClinVar:

ClinVar aggregate classification (germline): Pathogenic. Review status: criteria provided, multiple submitters, no conflicts (2 of 4 stars). 3 submissions from 3 submitters: Pathogenic (3). Last evaluated 2023-08-29.

Conditions:
Mismatch repair cancer syndrome 3. Identifiers: MedGen C5436807, MONDO:0030841, OMIM 619097.
Endometrial carcinoma. Also called: Endometrial carcinoma, somatic. Identifiers: MedGen C0476089, MONDO:0002447, OMIM 608089, HP:0012114.
Lynch syndrome 5 (LYNCH5). Also called: Colorectal cancer, hereditary nonpolyposis, type 5; Hereditary non-polyposis colorectal cancer, type 5. Identifiers: Orphanet 144, MedGen C1833477, MONDO:0013710, OMIM 614350. Disease mechanism: loss of function.
Hereditary cancer-predisposing syndrome. Also called: Neoplastic Syndromes, Hereditary; Tumor predisposition; Hereditary neoplastic syndrome; Hereditary Cancer Syndrome. Identifiers: Orphanet 140162, MedGen C0027672, MeSH D009386, MONDO:0015356.

Submissions (3):

Department of Pathology and Laboratory Medicine, Sinai Health System
Classification: Pathogenic for Endometrial carcinoma; Lynch syndrome 5; Mismatch repair cancer syndrome 3. Last evaluated: 2023-08-29. Review status: criteria provided, single submitter. Criteria: ACMG Guidelines, 2015. Collection method: clinical testing. Allele origin: germline. Affected: yes.

Myriad Genetics, Inc.
Classification: Pathogenic for Lynch syndrome 5. Last evaluated: 2023-08-22. Review status: criteria provided, single submitter. Criteria: Myriad Autosomal Dominant, Autosomal Recessive and X-Linked Classification Criteria (2023). Collection method: clinical testing. Allele origin: unknown.
Comment: This variant is considered pathogenic. This variant creates a termination codon and is predicted to result in premature protein truncation.

Ambry Genetics
Classification: Pathogenic for Hereditary cancer-predisposing syndrome. Last evaluated: 2022-12-21. Review status: criteria provided, single submitter. Criteria: Ambry Variant Classification Scheme 2023. Collection method: clinical testing. Allele origin: germline.
Comment: The p.G1093* variant (also known as c.3277G>T), located in coding exon 5 of the MSH6 gene, results from a G to T substitution at nucleotide position 3277. This changes the amino acid from a glycine to a stop codon within coding exon 5. This variant is considered to be rare based on population cohorts in the Genome Aggregation Database (gnomAD). This alteration is expected to result in loss of function by premature protein truncation or nonsense-mediated mRNA decay. As such, this alteration is interpreted as a disease-causing mutation.

NM_000179.3(MSH6):c.3277G>T (p.Gly1093Ter)

Gene: MSH6 (mutS homolog 6; plus strand). Cytogenetic location: 2p16.3.
Variant type: single nucleotide variant.
Coding change: c.3277G>T on transcript NM_000179.3 (MANE Select); coding-DNA position 3277, G replaced by T.
Protein change: p.Gly1093Ter; replaces glycine 1093 with a stop codon.
Molecular consequence: nonsense. On other transcripts: non-coding transcript variant (5), intron variant (1).
Genome position (GRCh38, 1-based): chr2:47,803,524, G>T. VCF-style: chr2-47803524-G-T. GRCh37 (hg19) VCF-style: chr2-48030663-G-T.
Other names: c.1222G>T, p.Gly408Ter (NM_001407362.1); c.3173-70G>T (NM_001406798.1); c.2887G>T, p.Gly963Ter (NM_001281492.2); c.2371G>T, p.Gly791Ter (NM_001281493.2, NM_001281494.2, NM_001406811.1 and 6 more transcripts); c.3373G>T, p.Gly1125Ter (NM_001406795.1, NM_001406802.1); c.3277G>T, p.Gly1093Ter (NM_001406796.1, NM_001406800.1, NM_001406808.1 and 1 more transcripts); c.2980G>T, p.Gly994Ter (NM_001406797.1, NM_001406801.1, NM_001406805.1 and 10 more transcripts); c.2752G>T, p.Gly918Ter (NM_001406799.1, NM_001406806.1, NM_001406807.1); and 7 more; short protein forms G1095*, G963*, G1037*, G408*, G791*, G805*, G1067*, G1093*.
Identifiers: ClinVar variation 2453171 (VCV002453171.4), dbSNP rs876659302, ClinGen allele CA346758294.